The following is an entry in ClinVar:

ClinVar aggregate classification (germline): Likely pathogenic (1 of 4 stars; one submission).

Conditions:
Dilated cardiomyopathy 1G (CMD1G). Identifiers: Orphanet 154, MedGen C1858763, MONDO:0011400, OMIM 604145.
Autosomal recessive limb-girdle muscular dystrophy type 2J (LGMDR10). Also called: MUSCULAR DYSTROPHY, LIMB-GIRDLE, AUTOSOMAL RECESSIVE 10; Limb-girdle muscular dystrophy, type 2J. Identifiers: Orphanet 140922, MedGen C1837342, MONDO:0012127, OMIM 608807.

Submission:

Labcorp Genetics (formerly Invitae), Labcorp
Classification: Likely pathogenic for Dilated cardiomyopathy 1G; Autosomal recessive limb-girdle muscular dystrophy type 2J. Last evaluated: 2022-06-14. Review status: criteria provided, single submitter. Criteria: Invitae Variant Classification Sherloc (09022015). Collection method: clinical testing. Allele origin: germline.
Comment: This variant is not present in population databases (gnomAD no frequency). In summary, the currently available evidence indicates that the variant is pathogenic, but additional data are needed to prove that conclusively. Therefore, this variant has been classified as Likely Pathogenic. This variant is located in the A band of TTN (PMID: 25589632). Truncating variants in this region are significantly overrepresented in patients affected with dilated cardiomyopathy (PMID: 25589632). Truncating variants in this region have also been reported in individuals affected with autosomal recessive centronuclear myopathy (PMID: 23975875). This variant has not been reported in the literature in individuals affected with TTN-related conditions. This sequence change creates a premature translational stop signal (p.Met28214Ilefs*10) in the TTN gene. While this is not anticipated to result in nonsense mediated decay, it is expected to create a truncated TTN protein.

Literature cited by the submitters: PubMed 25589632; PubMed 23975875.

NM_001267550.2(TTN):c.84642del (p.Met28214fs)

Genes: TTN (titin; minus strand), TTN-AS1 (TTN antisense RNA 1; plus strand). Cytogenetic location: 2q31.2.
Variant type: Deletion.
Coding change: c.84642del on transcript NM_001267550.2 (MANE Select); coding-DNA position 84642, one base deleted (G; older notation c.84642delG).
Protein change: p.Met28214fs; shifts the reading frame from methionine 28214.
Molecular consequence: frameshift variant.
Genome position (GRCh38, 1-based): chr2:178,561,490, C deleted on the plus strand (G on the coding strand, the reverse complement: TTN is on the minus strand). VCF-style (leftmost placement, unchanged base first): chr2-178561489-TC-T. GRCh37 (hg19) VCF-style: chr2-179426216-TC-T.
Other names: c.79719del, p.Met26573fs (NM_001256850.1); c.57447del, p.Met19149fs (NM_003319.4); c.76938del, p.Met25646fs (NM_133378.4); c.57822del, p.Met19274fs (NM_133432.3); c.58023del, p.Met19341fs (NM_133437.4); short protein forms M19274fs, M19341fs, M28214fs, M19149fs, M25646fs, M26573fs.
Identifiers: ClinVar variation 2006359 (VCV002006359.4), dbSNP rs2469694604, ClinGen allele CA2580064902.